The following is an entry in ClinVar:

NM_133510.4(RAD51B):c.331G>A (p.Gly111Ser)

Gene: RAD51B (RAD51 paralog B; plus strand). Cytogenetic location: 14q24.1.
Variant type: single nucleotide variant.
Coding change: c.331G>A on transcript NM_133510.4 (MANE Select); coding-DNA position 331, G replaced by A.
Protein change: p.Gly111Ser; replaces glycine 111 with serine.
Molecular consequence: missense variant. On other transcripts: 5 prime UTR variant (1).
Genome position (GRCh38, 1-based): chr14:67,865,018, G>A. VCF-style: chr14-67865018-G-A. GRCh37 (hg19) VCF-style: chr14-68331735-G-A.
Other names: c.331G>A, p.Gly111Ser (NM_001321810.2, NM_001321812.1, NM_001321814.2 and 6 more transcripts); c.217G>A, p.Gly73Ser (NM_001321815.1); c.-27G>A (NM_001321817.2); short protein forms G111S, G73S.
Identifiers: ClinVar variation 4149812 (VCV004149812.1).

ClinVar aggregate classification (germline): Uncertain significance (1 of 4 stars; one submission).

gnomAD v4.1: 1 of 668,938 alleles (0.00015%); highest among the groups gnomAD compares: Non-Finnish European, 0.00024%; no homozygotes.

Submission:

Ambry Genetics
Classification: Uncertain significance. Last evaluated: 2025-06-22. Review status: criteria provided, single submitter. Criteria: Ambry Variant Classification Scheme 2023. Collection method: clinical testing. Allele origin: germline.
Comment: The p.G111S variant (also known as c.331G>A), located in coding exon 4 of the RAD51B gene, results from a G to A substitution at nucleotide position 331. The glycine at codon 111 is replaced by serine, an amino acid with similar properties. This amino acid position is conserved. In addition, this alteration is predicted to be deleterious by in silico analysis. Based on the available evidence, the clinical significance of this variant remains unclear.